The following is an entry in ClinVar:

ClinVar aggregate classification (germline): Uncertain significance (1 of 4 stars; one submission).

Conditions:
Congenital myasthenic syndrome 5. Identifiers: Orphanet 590, MedGen C1864233, MONDO:0011281, OMIM 603034.

Submission:

Labcorp Genetics (formerly Invitae), Labcorp
Classification: Uncertain significance for Congenital myasthenic syndrome 5. Last evaluated: 2024-04-25. Review status: criteria provided, single submitter. Criteria: Invitae Variant Classification Sherloc (09022015). Collection method: clinical testing. Allele origin: germline.
Comment: This sequence change replaces proline, which is neutral and non-polar, with serine, which is neutral and polar, at codon 57 of the COLQ protein (p.Pro57Ser). This variant is not present in population databases (gnomAD no frequency). This variant has not been reported in the literature in individuals affected with COLQ-related conditions. ClinVar contains an entry for this variant (Variation ID: 1393153). Advanced modeling of protein sequence and biophysical properties (such as structural, functional, and spatial information, amino acid conservation, physicochemical variation, residue mobility, and thermodynamic stability) performed at Invitae indicates that this missense variant is not expected to disrupt COLQ protein function with a negative predictive value of 80%. In summary, the available evidence is currently insufficient to determine the role of this variant in disease. Therefore, it has been classified as a Variant of Uncertain Significance.

NM_005677.4(COLQ):c.169C>T (p.Pro57Ser)

Gene: COLQ (collagen like tail subunit of asymmetric acetylcholinesterase; minus strand). Cytogenetic location: 3p25.1.
Variant type: single nucleotide variant.
Coding change: c.169C>T on transcript NM_005677.4 (MANE Select); coding-DNA position 169, C replaced by T.
Protein change: p.Pro57Ser; replaces proline 57 with serine.
Molecular consequence: missense variant.
Genome position (GRCh38, 1-based): chr3:15,489,575, G>A on the plus strand (C>T on the coding strand, the complement: COLQ is on the minus strand). VCF-style: chr3-15489575-G-A. GRCh37 (hg19) VCF-style: chr3-15531082-G-A.
Other names: c.139C>T, p.Pro47Ser (NM_080538.2); c.169C>T, p.Pro57Ser (NM_080539.4); short protein forms P47S, P57S.
Identifiers: ClinVar variation 1393153 (VCV001393153.6), dbSNP rs2125139116, ClinGen allele CA351601501.